The following is an entry in ClinVar:

NM_000170.3(GLDC):c.2863G>A (p.Val955Ile)

Gene: GLDC (glycine decarboxylase; minus strand). Cytogenetic location: 9p24.1.
Variant type: single nucleotide variant.
Coding change: c.2863G>A on transcript NM_000170.3 (MANE Select); coding-DNA position 2863, G replaced by A.
Protein change: p.Val955Ile; replaces valine 955 with isoleucine.
Molecular consequence: missense variant.
Genome position (GRCh38, 1-based): chr9:6,534,764, C>T on the plus strand (G>A on the coding strand, the complement: GLDC is on the minus strand). VCF-style: chr9-6534764-C-T. GRCh37 (hg19) VCF-style: chr9-6534764-C-T.
Other names: p.Val955Ile; short protein forms V955I.
Identifiers: ClinVar variation 774102 (VCV000774102.16), dbSNP rs148540696, ClinGen allele CA4980030.
Genomic context (GRCh38, chr9:6,534,764, plus strand): 5'-TTACGAGTGGGAATGCTGCCACCTCTCTGGAATAAGGCCGGTCCCAGTGGGAAGATGTAA[C>T]GCAGGTCAGGGAGTGTGGAGACATCTGAGACAGAGACACGGACAGAGGAGGGGTCAGAGC-3'
Protein context (NP_000161.2, residues 945-965): LKMSPHSLTC[Val955Ile]TSSHWDRPYS

ClinVar aggregate classification (germline): Conflicting classifications of pathogenicity. Review status: criteria provided, conflicting classifications (1 of 4 stars). 4 submissions from 4 submitters: Uncertain significance (2); Likely benign (1). 1 of the submissions does not count toward it. Last evaluated 2026-01-07.

Conditions:
Glycine encephalopathy. Also called: Non-ketotic hyperglycinemia; Nonketotic hyperglycinemia. Identifiers: Orphanet 407, MedGen C0751748, MONDO:0011612, HP:0008288.

Allele frequency attached by ClinVar (database versions not stated): gnomAD exomes 0.00017; ExAC 0.00022; 1000 Genomes Project 30x 0.00031; 1000 Genomes Project 0.00040; gnomAD 0.00070 and 0.00078; TOPMed 0.00072; ESP Exome Variant Server 0.00092.
gnomAD v4.1: 194 of 1,605,748 alleles (0.012%); highest among the groups gnomAD compares: African/African-American, 0.23%; 1 homozygote.

Submissions (4):

Labcorp Genetics (formerly Invitae), Labcorp
Classification: Likely benign for Glycine encephalopathy. Last evaluated: 2026-01-07. Review status: criteria provided, single submitter. Criteria: Invitae Variant Classification Sherloc (09022015). Collection method: clinical testing. Allele origin: germline.

Mayo Clinic Laboratories, Mayo Clinic
Classification: Uncertain significance. Last evaluated: 2025-06-29. Review status: criteria provided, single submitter. Criteria: ACMG Guidelines, 2015. Collection method: clinical testing. Allele origin: germline. Observed: 1 variant allele.
Comment: BP4

GeneDx
Classification: Uncertain significance. Last evaluated: 2024-02-16. Review status: criteria provided, single submitter. Criteria: GeneDx Variant Classification Process June 2021. Collection method: clinical testing. Allele origin: germline. Affected: yes.
Comment: In silico analysis supports that this missense variant does not alter protein structure/function; This variant is associated with the following publications: (PMID: 28719003, 26740555)

Natera, Inc.
Classification: Uncertain significance for Non-ketotic hyperglycinemia. Last evaluated: 2020-01-24. Review status: no assertion criteria provided. Collection method: clinical testing. Allele origin: germline. Not counted in ClinVar's aggregate classification.